The following is an entry in ClinVar:

ClinVar aggregate classification (germline): Pathogenic (1 of 4 stars; one submission).

Conditions:
Kabuki syndrome. Also called: NIIKAWA-KUROKI SYNDROME; Kabuki make-up syndrome. Identifiers: Orphanet 2322, MedGen C0796004, MONDO:0016512.

Submission:

Labcorp Genetics (formerly Invitae), Labcorp
Classification: Pathogenic for Kabuki syndrome. Last evaluated: 2023-01-10. Review status: criteria provided, single submitter. Criteria: Invitae Variant Classification Sherloc (09022015). Collection method: clinical testing. Allele origin: germline.
Comment: This sequence change creates a premature translational stop signal (p.Glu2844Alafs*4) in the KMT2D gene. It is expected to result in an absent or disrupted protein product. Loss-of-function variants in KMT2D are known to be pathogenic (PMID: 22126750). This variant is not present in population databases (gnomAD no frequency). This variant has not been reported in the literature in individuals affected with KMT2D-related conditions. For these reasons, this variant has been classified as Pathogenic.

Literature cited by the submitters: PubMed 22126750.

NM_003482.4(KMT2D):c.8529_8538del (p.Glu2844fs)

Gene: KMT2D (lysine methyltransferase 2D; minus strand). Cytogenetic location: 12q13.12.
Variant type: Deletion.
Coding change: c.8529_8538del on transcript NM_003482.4 (MANE Select); coding-DNA positions 8529 to 8538, 10 bases deleted (TGAACTTGGC; older notation c.8529_8538delTGAACTTGGC).
Protein change: p.Glu2844fs; shifts the reading frame from glutamic acid 2844.
Molecular consequence: frameshift variant.
Genome position (GRCh38, 1-based): chr12:49,038,818-49,038,827, GCCAAGTTCA deleted on the plus strand (TGAACTTGGC on the coding strand, the reverse complement: KMT2D is on the minus strand); deleting any 10 consecutive bases within chr12:49,038,818-49,038,828 gives the same sequence; the c. name uses the placement nearest the transcript's 3' end. VCF-style (leftmost placement, unchanged base first): chr12-49038817-GGCCAAGTTCA-G. GRCh37 (hg19) VCF-style: chr12-49432600-GGCCAAGTTCA-G.
Other names: short protein forms E2844fs.
Identifiers: ClinVar variation 2827461 (VCV002827461.3), dbSNP rs2498389090, ClinGen allele CA2739272015.